The following is an entry in ClinVar:

ClinVar aggregate classification (germline): Uncertain significance. Review status: criteria provided, multiple submitters, no conflicts (2 of 4 stars). 2 submissions from 2 submitters: Uncertain significance (2). Last evaluated 2024-05-11.

Conditions:
Gorlin syndrome. Also called: Basal cell nevus syndrome; Nevoid Basal Cell Carcinoma Syndrome. Identifiers: Orphanet 377, MedGen C0004779, MONDO:0007187.
Basal cell carcinoma, susceptibility to, 1. Also called: BCC1. Identifiers: MedGen C2751544, MONDO:0011556, OMIM 605462.
Medulloblastoma (MDB). Also called: Medulloblastoma, somatic; MEDULLOBLASTOMA PREDISPOSITION SYNDROME. Identifiers: Orphanet 616, MedGen C0025149, MeSH D008527, MONDO:0007959, OMIM 155255, HP:0002885.

Allele frequency attached by ClinVar (database versions not stated): ExAC 0.00002; gnomAD 0.00002; TOPMed 0.00002.
gnomAD v4.1: 23 of 1,614,064 alleles (0.0014%); highest among the groups gnomAD compares: South Asian, 0.015%; no homozygotes.

Submissions (2):

Labcorp Genetics (formerly Invitae), Labcorp
Classification: Uncertain significance for Gorlin syndrome. Last evaluated: 2024-05-11. Review status: criteria provided, single submitter. Criteria: Invitae Variant Classification Sherloc (09022015). Collection method: clinical testing. Allele origin: germline.
Comment: This sequence change replaces glutamic acid, which is acidic and polar, with lysine, which is basic and polar, at codon 83 of the PTCH2 protein (p.Glu83Lys). This variant is present in population databases (rs781204167, gnomAD 0.01%). This variant has not been reported in the literature in individuals affected with PTCH2-related conditions. ClinVar contains an entry for this variant (Variation ID: 652794). Advanced modeling of protein sequence and biophysical properties (such as structural, functional, and spatial information, amino acid conservation, physicochemical variation, residue mobility, and thermodynamic stability) has been performed at Invitae for this missense variant, however the output from this modeling did not meet the statistical confidence thresholds required to predict the impact of this variant on PTCH2 protein function. In summary, the available evidence is currently insufficient to determine the role of this variant in disease. Therefore, it has been classified as a Variant of Uncertain Significance.

Fulgent Genetics
Classification: Uncertain significance for Basal cell nevus syndrome 1; Medulloblastoma; Basal cell carcinoma, susceptibility to, 1. Last evaluated: 2022-04-16. Review status: criteria provided, single submitter. Criteria: ACMG Guidelines, 2015. Collection method: clinical testing. Allele origin: unknown.

NM_003738.5(PTCH2):c.247G>A (p.Glu83Lys)

Gene: PTCH2 (patched 2; minus strand). Cytogenetic location: 1p34.1.
Variant type: single nucleotide variant.
Coding change: c.247G>A on transcript NM_003738.5 (MANE Select); coding-DNA position 247, G replaced by A.
Protein change: p.Glu83Lys; replaces glutamic acid 83 with lysine.
Molecular consequence: missense variant.
Genome position (GRCh38, 1-based): chr1:44,841,865, C>T on the plus strand (G>A on the coding strand, the complement: PTCH2 is on the minus strand). VCF-style: chr1-44841865-C-T. GRCh37 (hg19) VCF-style: chr1-45307537-C-T.
Other names: c.247G>A, p.Glu83Lys (NM_001166292.2); short protein forms E83K.
Identifiers: ClinVar variation 652794 (VCV000652794.12), dbSNP rs781204167, ClinGen allele CA823711.